The following is an entry in ClinVar:

ClinVar aggregate classification (germline): Likely benign (1 of 4 stars; one submission).

Allele frequency attached by ClinVar (database versions not stated): gnomAD 0.01082; TOPMed 0.01190; 1000 Genomes Project 0.01478; 1000 Genomes Project 30x 0.01499.
gnomAD v4.1: 3,063 of 1,423,622 alleles (0.22%); highest among the groups gnomAD compares: African/African-American, 3.7%; 47 homozygotes.

Submission:

GeneDx
Classification: Likely benign. Last evaluated: 2019-05-28. Review status: criteria provided, single submitter. Criteria: GeneDx Variant Classification Process June 2021. Collection method: clinical testing. Allele origin: germline. Affected: yes.
Comment: See Variant Classification Assertion Criteria.

NM_012144.4(DNAI1):c.1312-77G>C

Gene: DNAI1 (dynein axonemal intermediate chain 1; plus strand). Cytogenetic location: 9p13.3.
Variant type: single nucleotide variant.
Coding change: c.1312-77G>C on transcript NM_012144.4 (MANE Select); 77 bases into the intron before coding-DNA position 1312, G replaced by C.
Molecular consequence: intron variant.
Genome position (GRCh38, 1-based): chr9:34,512,032, G>C. VCF-style: chr9-34512032-G-C. GRCh37 (hg19) VCF-style: chr9-34512030-G-C.
Other names: c.1324-77G>C (NM_001281428.2).
Identifiers: ClinVar variation 1707371 (VCV001707371.2), dbSNP rs80097591, ClinGen allele CA192649828.